The following is an entry in ClinVar:

ClinVar aggregate classification (germline): Pathogenic (1 of 4 stars; one submission).

Conditions:
Intellectual disability, autosomal recessive 42 (NEDDSBA). Also called: GLYCOSYLPHOSPHATIDYLINOSITOL BIOSYNTHESIS DEFECT 9; Neurodevelopmental disorder with dysmorphic features, spasticity, and brain abnormalities. Identifiers: Orphanet 88616, MedGen C4014343, MONDO:0014348, OMIM 615802.

Allele frequency attached by ClinVar (database versions not stated): gnomAD exomes below 0.00001.
gnomAD v4.1: 2 of 1,610,772 alleles (0.00012%); highest among the groups gnomAD compares: East Asian, 0.0022%; no homozygotes.

Submission:

Institute of Human Genetics, University of Leipzig Medical Center
Classification: Pathogenic for Intellectual disability, autosomal recessive 42. Last evaluated: 2019-01-01. Review status: criteria provided, single submitter. Criteria: ACMG Guidelines, 2015. Collection method: clinical testing. Allele origin: unknown. Affected: yes.
Comment: This variant was identified as compound heterozygous.

NM_024989.4(PGAP1):c.1501-2A>G

Gene: PGAP1 (post-GPI attachment to proteins inositol deacylase 1; minus strand). Cytogenetic location: 2q33.1.
Variant type: single nucleotide variant.
Coding change: c.1501-2A>G on transcript NM_024989.4 (MANE Select); the canonical splice acceptor site of the intron before coding-DNA position 1501, A replaced by G.
Molecular consequence: splice acceptor variant.
Genome position (GRCh38, 1-based): chr2:196,873,581, T>C on the plus strand (A>G on the coding strand, the complement: PGAP1 is on the minus strand). VCF-style: chr2-196873581-T-C. GRCh37 (hg19) VCF-style: chr2-197738305-T-C.
Other names: c.334-2A>G (NM_001321100.2); c.979-2A>G (NM_001321099.2).
Identifiers: ClinVar variation 983141 (VCV000983141.1), dbSNP rs1288514578, ClinGen allele CA350171070.